The following is an entry in ClinVar:

ClinVar aggregate classification (germline): Uncertain significance (1 of 4 stars; one submission).

Conditions:
Ataxia-telangiectasia-like disorder (ATLD). Identifiers: MedGen C1858391, MONDO:0011457.

Submission:

Labcorp Genetics (formerly Invitae), Labcorp
Classification: Uncertain significance for Ataxia-telangiectasia-like disorder. Last evaluated: 2024-10-17. Review status: criteria provided, single submitter. Criteria: Invitae Variant Classification Sherloc (09022015). Collection method: clinical testing. Allele origin: germline.
Comment: This sequence change replaces glutamic acid, which is acidic and polar, with aspartic acid, which is acidic and polar, at codon 248 of the MRE11 protein (p.Glu248Asp). This variant is not present in population databases (gnomAD no frequency). This variant has not been reported in the literature in individuals affected with MRE11-related conditions. ClinVar contains an entry for this variant (Variation ID: 1948871). An algorithm developed to predict the effect of missense changes on protein structure and function (PolyPhen-2) suggests that this variant is likely to be disruptive. In summary, the available evidence is currently insufficient to determine the role of this variant in disease. Therefore, it has been classified as a Variant of Uncertain Significance.

NM_005591.4(MRE11):c.744G>C (p.Glu248Asp)

Gene: MRE11 (MRE11 double strand break repair nuclease; minus strand). Cytogenetic location: 11q21.
Variant type: single nucleotide variant.
Coding change: c.744G>C on transcript NM_005591.4 (MANE Select); coding-DNA position 744, G replaced by C.
Protein change: p.Glu248Asp; replaces glutamic acid 248 with aspartic acid.
Molecular consequence: missense variant.
Genome position (GRCh38, 1-based): chr11:94,471,675, C>G on the plus strand (G>C on the coding strand, the complement: MRE11 is on the minus strand). VCF-style: chr11-94471675-C-G. GRCh37 (hg19) VCF-style: chr11-94204841-C-G.
Other names: c.744G>C, p.Glu248Asp (NM_001330347.2, NM_005590.4); short protein forms E248D.
Identifiers: ClinVar variation 1948871 (VCV001948871.4), dbSNP rs1591695261, ClinGen allele CA382375773.